The following is an entry in ClinVar:

ClinVar aggregate classification (germline): Pathogenic (1 of 4 stars; one submission).

Allele frequency attached by ClinVar (database versions not stated): gnomAD exomes below 0.00001.
gnomAD v4.1: 1 of 1,613,896 alleles (0.000062%); highest among the groups gnomAD compares: Non-Finnish European, 0.000085%; no homozygotes.

Submission:

Labcorp Genetics (formerly Invitae), Labcorp
Classification: Pathogenic. Last evaluated: 2022-06-28. Review status: criteria provided, single submitter. Criteria: Invitae Variant Classification Sherloc (09022015). Collection method: clinical testing. Allele origin: germline.
Comment: This variant has not been reported in the literature in individuals affected with SLC24A5-related conditions. This variant is present in population databases (no rsID available, gnomAD 0.0009%). This sequence change creates a premature translational stop signal (p.Trp9*) in the SLC24A5 gene. It is expected to result in an absent or disrupted protein product. Loss-of-function variants in SLC24A5 are known to be pathogenic (PMID: 23985994, 26686029). For these reasons, this variant has been classified as Pathogenic.

Literature cited by the submitters: PubMed 23985994; PubMed 26686029.

NM_205850.3(SLC24A5):c.26G>A (p.Trp9Ter)

Gene: SLC24A5 (solute carrier family 24 member 5; plus strand). Cytogenetic location: 15q21.1.
Variant type: single nucleotide variant.
Coding change: c.26G>A on transcript NM_205850.3 (MANE Select); coding-DNA position 26, G replaced by A.
Protein change: p.Trp9Ter; replaces tryptophan 9 with a stop codon.
Molecular consequence: nonsense.
Genome position (GRCh38, 1-based): chr15:48,121,070, G>A. VCF-style: chr15-48121070-G-A. GRCh37 (hg19) VCF-style: chr15-48413267-G-A.
Other names: short protein forms W9*.
Identifiers: ClinVar variation 2133309 (VCV002133309.4), dbSNP rs1217469928, ClinGen allele CA392446705.
Genomic context (GRCh38, chr15:48,121,070, plus strand): 5'-CTGAAGCTGCACGCTGCAGTAAGAGCACAGCAGAAATGCAGACAAAAGGGGGCCAAACAT[G>A]GGCGAGAAGGGCTCTGTTGCTCGGCATCCTGTGGGCCACTGCACATCTGCCTCTCTCAGG-3'